The following is an entry in ClinVar:

NM_001042424.3(NSD2):c.313A>G (p.Met105Val)

Gene: NSD2 (nuclear receptor binding SET domain protein 2; plus strand). Cytogenetic location: 4p16.3.
Variant type: single nucleotide variant.
Coding change: c.313A>G on transcript NM_001042424.3 (MANE Select); coding-DNA position 313, A replaced by G.
Protein change: p.Met105Val; replaces methionine 105 with valine.
Molecular consequence: missense variant.
Genome position (GRCh38, 1-based): chr4:1,900,967, A>G. VCF-style: chr4-1900967-A-G. GRCh37 (hg19) VCF-style: chr4-1902694-A-G.
Other names: c.313A>G, p.Met105Val (NM_007331.2, NM_133330.3, NM_133331.3 and 2 more transcripts); short protein forms M105V.
Identifiers: ClinVar variation 2128065 (VCV002128065.4), dbSNP rs1428525782, ClinGen allele CA355991542.
Genomic context (GRCh38, chr4:1,900,967, plus strand): 5'-CGGGTGTTTAATGGAGAACCCGGCGCACACGATGCCAAACTGCGTTTTGAGTCCCAGGAA[A>G]TGAAAGGGATTGGGACACCCCCTAACACTACCCCTATCAAAAATGGCTCTCCAGAAATTA-3'
Protein context (NP_001035889.1, residues 95-115): DAKLRFESQE[Met105Val]KGIGTPPNTT

ClinVar aggregate classification (germline): Uncertain significance (1 of 4 stars; one submission).

Allele frequency attached by ClinVar (database versions not stated): gnomAD exomes below 0.00001; TOPMed 0.00001.

Submission:

Labcorp Genetics (formerly Invitae), Labcorp
Classification: Uncertain significance. Last evaluated: 2024-09-06. Review status: criteria provided, single submitter. Criteria: Invitae Variant Classification Sherloc (09022015). Collection method: clinical testing. Allele origin: germline.
Comment: This sequence change replaces methionine, which is neutral and non-polar, with valine, which is neutral and non-polar, at codon 105 of the WHSC1 protein (p.Met105Val). This variant is present in population databases (no rsID available, gnomAD 0.007%). This variant has not been reported in the literature in individuals affected with WHSC1-related conditions. ClinVar contains an entry for this variant (Variation ID: 2128065). An algorithm developed to predict the effect of missense changes on protein structure and function outputs the following: PolyPhen-2: "Benign". The valine amino acid residue is found in multiple mammalian species, which suggests that this missense change does not adversely affect protein function. In summary, the available evidence is currently insufficient to determine the role of this variant in disease. Therefore, it has been classified as a Variant of Uncertain Significance.